The following is an entry in ClinVar:

NM_000301.5(PLG):c.1259G>A (p.Gly420Asp)

Gene: PLG (plasminogen; plus strand). Cytogenetic location: 6q26.
Variant type: single nucleotide variant.
Coding change: c.1259G>A on transcript NM_000301.5 (MANE Select); coding-DNA position 1259, G replaced by A.
Protein change: p.Gly420Asp; replaces glycine 420 with aspartic acid.
Molecular consequence: missense variant.
Genome position (GRCh38, 1-based): chr6:160,731,053, G>A. VCF-style: chr6-160731053-G-A. GRCh37 (hg19) VCF-style: chr6-161152085-G-A.
Other names: short protein forms G420D.
Identifiers: ClinVar variation 717878 (VCV000717878.42), dbSNP rs139071351, ClinGen allele CA4087736.
Genomic context (GRCh38, chr6:160,731,053, plus strand): 5'-TGGGTGCCCCTGAATATTCTCCCACCTCTTGTGACCTGTATTGTTTTGGAATTTCCAGTG[G>A]CCTGACAATGAACTACTGCAGGAATCCAGATGCCGATAAAGGCCCCTGGTGTTTTACCAC-3'
Protein context (NP_000292.1, residues 410-430): QKTPENYPNA[Gly420Asp]LTMNYCRNPD

ClinVar aggregate classification (germline): Conflicting classifications of pathogenicity. Review status: criteria provided, conflicting classifications (1 of 4 stars). 9 submissions from 9 submitters: Uncertain significance (1); Benign (1); Likely benign (4). 3 of the submissions do not count toward it. Last evaluated 2026-01-18.

Conditions:
Angioedema, hereditary, 4. Identifiers: MedGen C5543503, MONDO:0025712, OMIM 619360.
Plasminogen deficiency, type I. Also called: Hypoplasminogenemia; Type 1 plasminogen deficiency. Identifiers: Orphanet 722, MedGen C1968804, MONDO:0009009, OMIM 217090.
PLG-related disorder. Also called: PLG-related condition.

Allele frequency attached by ClinVar (database versions not stated): 1000 Genomes Project 30x 0.00078; 1000 Genomes Project 0.00080; ESP Exome Variant Server 0.00146; gnomAD 0.00180 and 0.00184; ExAC 0.00186; TOPMed 0.00188; gnomAD exomes 0.00197 and 0.00235.
gnomAD v4.1: 3,744 of 1,613,752 alleles (0.23%); highest among the groups gnomAD compares: Middle Eastern, 0.55%; 6 homozygotes.

Submissions (9):

Labcorp Genetics (formerly Invitae), Labcorp
Classification: Benign. Last evaluated: 2026-01-18. Review status: criteria provided, single submitter. Criteria: Invitae Variant Classification Sherloc (09022015). Collection method: clinical testing. Allele origin: germline.

CeGaT Center for Human Genetics Tuebingen
Classification: Likely benign. Last evaluated: 2025-03-01. Review status: criteria provided, single submitter. Criteria: CeGaT Center For Human Genetics Tuebingen Variant Classification Criteria Version 2. Collection method: clinical testing. Allele origin: germline. Affected: yes. Observed: 5 variant alleles.
Comment: PLG: BP4, BS2

Blueprint Genetics
Classification: Likely benign. Last evaluated: 2024-11-26. Review status: criteria provided, single submitter. Criteria: ACMG Guidelines, 2015. Collection method: clinical testing. Allele origin: germline.

Women's Health and Genetics/Laboratory Corporation of America, LabCorp
Classification: Likely benign. Last evaluated: 2024-08-06. Review status: criteria provided, single submitter. Criteria: LabCorp Variant Classification Summary - May 2015. Collection method: clinical testing. Allele origin: germline.
Comment: Variant summary: PLG c.1259G>A (p.Gly420Asp) results in a non-conservative amino acid change located in the Kringle domain (IPR000001) of the encoded protein sequence. Four of five in-silico tools predict a benign effect of the variant on protein function. Consensus agreement among computation tools predict no significant impact on normal splicing. However, these predictions have yet to be confirmed by functional studies. The variant allele was found at a frequency of 0.002 in 251314 control chromosomes in the gnomAD database, including 1 homozygotes. The observed variant frequency is approximately 2 fold of the estimated maximal expected allele frequency for a pathogenic variant in PLG causing Plasminogen Deficiency phenotype (0.0011). To our knowledge, no occurrence of c.1259G>A in individuals affected with Plasminogen Deficiency and no experimental evidence demonstrating its impact on protein function have been reported. ClinVar contains an entry for this variant (Variation ID: 717878). Based on the evidence outlined above, the variant was classified as likely benign.

Department of Pathology and Laboratory Medicine, Sinai Health System
Classification: Likely benign for Plasminogen deficiency, type I; Angioedema, hereditary, 4. Last evaluated: 2021-07-30. Review status: criteria provided, single submitter. Criteria: ACMG Guidelines, 2015. Collection method: research. Allele origin: germline.

Revvity Omics, Revvity
Classification: Uncertain significance. Last evaluated: 2021-05-04. Review status: criteria provided, single submitter. Criteria: ACMG Guidelines, 2015. Collection method: clinical testing. Allele origin: germline.

PreventionGenetics, part of Exact Sciences
Classification: Likely benign for PLG-related condition. Last evaluated: 2020-08-04. Review status: no assertion criteria provided. Collection method: clinical testing. Allele origin: germline. Not counted in ClinVar's aggregate classification.
Comment: This variant is classified as likely benign based on ACMG/AMP sequence variant interpretation guidelines (Richards et al. 2015 PMID: 25741868, with internal and published modifications).

Clinical Genetics DNA and cytogenetics Diagnostics Lab, Erasmus MC, Erasmus Medical Center
Classification: Likely benign. Review status: no assertion criteria provided. Collection method: clinical testing. Allele origin: germline. Affected: yes. Study: VKGL Data-share Consensus. Not counted in ClinVar's aggregate classification.

Genome Diagnostics Laboratory, University Medical Center Utrecht
Classification: Likely benign. Review status: no assertion criteria provided. Collection method: clinical testing. Allele origin: germline. Affected: yes. Study: VKGL Data-share Consensus. Not counted in ClinVar's aggregate classification.